The following is an entry in ClinVar:

NM_152269.5(MTRFR):c.*354G>A

Gene: MTRFR (mitochondrial translation release factor in rescue; plus strand). Cytogenetic location: 12q24.31.
Variant type: single nucleotide variant.
Coding change: c.*354G>A on transcript NM_152269.5 (MANE Select); 354 bases downstream of the stop codon, G replaced by A.
Molecular consequence: 3 prime UTR variant.
Genome position (GRCh38, 1-based): chr12:123,257,385, G>A. VCF-style: chr12-123257385-G-A. GRCh37 (hg19) VCF-style: chr12-123741932-G-A.
Other names: c.*354G>A (NM_001143905.2, NM_001194995.1).
Identifiers: ClinVar variation 307504 (VCV000307504.6), dbSNP rs11057214, ClinGen allele CA10632168.

ClinVar aggregate classification (germline): Likely benign. Review status: criteria provided, multiple submitters, no conflicts (2 of 4 stars). 2 submissions from 2 submitters: Likely benign (2). Last evaluated 2017-04-27.

Conditions:
Combined oxidative phosphorylation defect type 7. Identifiers: Orphanet 254930, MedGen C3150801, MONDO:0013306, OMIM 613559.

Allele frequency attached by ClinVar (database versions not stated): TOPMed 0.04902; gnomAD 0.05128 and 0.05340; 1000 Genomes Project 0.06050; 1000 Genomes Project 30x 0.06090; gnomAD exomes 0.06193.
gnomAD v4.1: 13,516 of 239,630 alleles (5.6%); highest among the groups gnomAD compares: South Asian, 11%; 498 homozygotes.

Submissions (2):

Illumina Laboratory Services, Illumina
Classification: Likely benign for Combined oxidative phosphorylation defect type 7. Last evaluated: 2017-04-27. Review status: criteria provided, single submitter. Criteria: ICSL Variant Classification Criteria 13 December 2019. Collection method: clinical testing. Allele origin: germline.
Comment: This variant was observed as part of a predisposition screen in an ostensibly healthy population. A literature search was performed for the gene, cDNA change, and amino acid change (where applicable). No publications were found based on this search. Allele frequency data from public databases allowed determination this variant is unlikely to cause disease. Therefore, this variant is classified as likely benign.

Breakthrough Genomics
Classification: Likely benign. Review status: criteria provided, single submitter. Criteria: ACMG Guidelines, 2015. Collection method: not provided. Allele origin: germline. Inheritance: Autosomal recessive inheritance. Affected: yes.